The following is an entry in ClinVar:

NM_001111.5(ADAR):c.1316A>G (p.Asn439Ser)

Gene: ADAR (adenosine deaminase RNA specific; minus strand). Cytogenetic location: 1q21.3.
Variant type: single nucleotide variant.
Coding change: c.1316A>G on transcript NM_001111.5 (MANE Select); coding-DNA position 1316, A replaced by G.
Protein change: p.Asn439Ser; replaces asparagine 439 with serine.
Molecular consequence: missense variant.
Genome position (GRCh38, 1-based): chr1:154,601,326, T>C on the plus strand (A>G on the coding strand, the complement: ADAR is on the minus strand). VCF-style: chr1-154601326-T-C. GRCh37 (hg19) VCF-style: chr1-154573802-T-C.
Other names: c.431A>G, p.Asn144Ser (NM_001025107.3, NM_001193495.2, NM_001365046.1 and 3 more transcripts); c.1343A>G, p.Asn448Ser (NM_001365045.1); c.1316A>G, p.Asn439Ser (NM_015840.4, NM_015841.4); c.1316A>G (NM_001111.4); short protein forms N144S, N448S, N439S.
Identifiers: ClinVar variation 1364877 (VCV001364877.10), dbSNP rs940393676, ClinGen allele CA30809886.
Genomic context (GRCh38, chr1:154,601,326, plus strand): 5'-ATGTCATCTGTGGCCCACTGGCCATTTTCAAAGTCAACATACCCTGCTTTTGAGGGGCCA[T>C]TGTAATGAACAGGTGGTTTCAGTCTTGCTGGTTCTGGTCTGGCCTCTTGCCTGTTTTCTA-3'
Protein context (NP_001102.3, residues 429-449): PARLKPPVHY[Asn439Ser]GPSKAGYVDF

ClinVar aggregate classification (germline): Uncertain significance. Review status: criteria provided, multiple submitters, no conflicts (2 of 4 stars). 4 submissions from 4 submitters: Uncertain significance (4). Last evaluated 2025-10-05.

Conditions:
Inborn genetic diseases. Identifiers: MedGen C0950123, MeSH D030342.
Symmetrical dyschromatosis of extremities (DSH). Also called: Dyschromatosis symmetrica hereditaria; RETICULATE ACROPIGMENTATION OF DOHI; SYMMETRIC DYSCHROMATOSIS OF THE EXTREMITIES; DYSCHROMATOSIS SYMMETRICA HEREDITARIA 1. Identifiers: Orphanet 41, MedGen C0406775, MONDO:0007483, OMIM 127400.
Aicardi-Goutieres syndrome 6 (AGS6). Identifiers: Orphanet 51, MedGen C3539013, MONDO:0014007, OMIM 615010.

Allele frequency attached by ClinVar (database versions not stated): gnomAD exomes 0.00001; gnomAD 0.00002 and 0.00003.
gnomAD v4.1: 26 of 1,614,134 alleles (0.0016%); highest among the groups gnomAD compares: Non-Finnish European, 0.0019%; no homozygotes.

Submissions (4):

Labcorp Genetics (formerly Invitae), Labcorp
Classification: Uncertain significance for Aicardi-Goutieres syndrome 6; Symmetrical dyschromatosis of extremities. Last evaluated: 2025-10-05. Review status: criteria provided, single submitter. Criteria: Invitae Variant Classification Sherloc (09022015). Collection method: clinical testing. Allele origin: germline.
Comment: This sequence change replaces asparagine, which is neutral and polar, with serine, which is neutral and polar, at codon 439 of the ADAR protein (p.Asn439Ser). This variant is present in population databases (no rsID available, gnomAD 0.003%). This variant has not been reported in the literature in individuals affected with ADAR-related conditions. ClinVar contains an entry for this variant (Variation ID: 1364877). Invitae Evidence Modeling of protein sequence and biophysical properties (such as structural, functional, and spatial information, amino acid conservation, physicochemical variation, residue mobility, and thermodynamic stability) indicates that this missense variant is not expected to disrupt ADAR protein function with a negative predictive value of 80%. In summary, the available evidence is currently insufficient to determine the role of this variant in disease. Therefore, it has been classified as a Variant of Uncertain Significance.

Blueprint Genetics
Classification: Uncertain significance. Last evaluated: 2024-08-23. Review status: criteria provided, single submitter. Criteria: ACMG Guidelines, 2015. Collection method: clinical testing. Allele origin: germline.

Genome-Nilou Lab
Classification: Uncertain significance for Aicardi-Goutieres syndrome 6. Last evaluated: 2023-04-11. Review status: criteria provided, single submitter. Criteria: ACMG Guidelines, 2015. Collection method: clinical testing. Allele origin: germline. Affected: no.

Ambry Genetics
Classification: Uncertain significance for Inborn genetic diseases. Last evaluated: 2022-06-06. Review status: criteria provided, single submitter. Criteria: Ambry Variant Classification Scheme 2023. Collection method: clinical testing. Allele origin: germline.